The following is an entry in ClinVar:

NM_000548.5(TSC2):c.1047T>A (p.Tyr349Ter)

Gene: TSC2 (TSC complex subunit 2; plus strand). Cytogenetic location: 16p13.3.
Variant type: single nucleotide variant.
Coding change: c.1047T>A on transcript NM_000548.5 (MANE Select); coding-DNA position 1047, T replaced by A.
Protein change: p.Tyr349Ter; replaces tyrosine 349 with a stop codon.
Molecular consequence: nonsense. On other transcripts: 5 prime UTR variant (10), non-coding transcript variant (5).
Genome position (GRCh38, 1-based): chr16:2,060,741, T>A. VCF-style: chr16-2060741-T-A. GRCh37 (hg19) VCF-style: chr16-2110742-T-A.
Other names: c.1047T>A, p.Tyr349Ter (NM_001077183.3, NM_001114382.3, NM_001363528.2 and 6 more transcripts); c.936T>A, p.Tyr312Ter (NM_001318827.2, NM_001406670.1, NM_001406678.1); c.900T>A, p.Tyr300Ter (NM_001318829.2, NM_001406675.1, NM_001406676.1 and 1 more transcripts); c.447T>A, p.Tyr149Ter (NM_001318831.2, NM_001406680.1, NM_001406682.1 and 6 more transcripts); c.1080T>A, p.Tyr360Ter (NM_001318832.2); c.1137T>A, p.Tyr379Ter (NM_001406667.1, NM_001406668.1); c.1035T>A, p.Tyr345Ter (NM_001406671.1, NM_001406673.1); c.990T>A, p.Tyr330Ter (NM_001406677.1); and 4 more; short protein forms Y379*, Y149*, Y312*, Y345*, Y349*, Y195*, Y300*, Y330*.
Identifiers: ClinVar variation 4719825 (VCV004719825.1).

ClinVar aggregate classification (germline): Pathogenic (1 of 4 stars; one submission).

Conditions:
Tuberous sclerosis 2 (TSC2). Identifiers: Orphanet 805, MedGen C1860707, MONDO:0013199, OMIM 613254.

Submission:

Labcorp Genetics (formerly Invitae), Labcorp
Classification: Pathogenic for Tuberous sclerosis 2. Last evaluated: 2025-05-19. Review status: criteria provided, single submitter. Criteria: Invitae Variant Classification Sherloc (09022015). Collection method: clinical testing. Allele origin: germline.
Comment: This sequence change creates a premature translational stop signal (p.Tyr349*) in the TSC2 gene. It is expected to result in an absent or disrupted protein product. Loss-of-function variants in TSC2 are known to be pathogenic (PMID: 10205261, 17304050). This variant is not present in population databases (gnomAD no frequency). This variant has not been reported in the literature in individuals affected with TSC2-related conditions. For these reasons, this variant has been classified as Pathogenic.

Literature cited by the submitters: PubMed 10205261; PubMed 17304050.